The following is an entry in ClinVar:

NM_001162501.2(TNRC6B):c.2913_2914delinsC (p.Thr972fs)

Gene: TNRC6B (trinucleotide repeat containing adaptor 6B; plus strand). Cytogenetic location: 22q13.1.
Variant type: Indel.
Coding change: c.2913_2914delinsC on transcript NM_001162501.2 (MANE Select); coding-DNA positions 2913 to 2914, GA replaced by C.
Protein change: p.Thr972fs; shifts the reading frame from threonine 972.
Molecular consequence: frameshift variant. On other transcripts: intron variant (1).
Genome position (GRCh38, 1-based): chr22:40,270,228-40,270,229, GA replaced by C. VCF-style: chr22-40270228-GA-C. GRCh37 (hg19) VCF-style: chr22-40666232-GA-C.
Other names: c.672_673delinsC, p.Thr225fs (NM_001024843.2); c.2806+3192_2806+3193delinsC (NM_015088.3); short protein forms T972fs, T225fs.
Identifiers: ClinVar variation 3809199 (VCV003809199.1).

ClinVar aggregate classification (germline): Uncertain significance (1 of 4 stars; one submission).

Conditions:
Inborn genetic diseases. Identifiers: MedGen C0950123, MeSH D030342.

Submission:

Ambry Genetics
Classification: Uncertain significance for Inborn genetic diseases. Last evaluated: 2025-01-06. Review status: criteria provided, single submitter. Criteria: Ambry Variant Classification Scheme 2023. Collection method: clinical testing. Allele origin: germline.
Comment: The c.2913_2914delGAinsC (p.T972Pfs*15) alteration, located in exon 6 (coding exon 6) of the TNRC6B gene, consists of a deletion of 2 and insertion of 1 nucleotides causing a translational frameshift at position 2913 with a predicted alternate stop codon after 15 amino acids. This variant is located in an exon of unknown clinical relevance (Ambry internal data). This variant was not reported in population-based cohorts in the Genome Aggregation Database (gnomAD). Based on insufficient or conflicting evidence, the clinical significance of this alteration remains unclear.